The following is an entry in ClinVar:

NM_173689.7(CRB2):c.1586C>T (p.Ala529Val)

Gene: CRB2 (crumbs cell polarity complex component 2; plus strand). Cytogenetic location: 9q33.3.
Variant type: single nucleotide variant.
Coding change: c.1586C>T on transcript NM_173689.7 (MANE Select); coding-DNA position 1586, C replaced by T.
Protein change: p.Ala529Val; replaces alanine 529 with valine.
Molecular consequence: missense variant. On other transcripts: non-coding transcript variant (1).
Genome position (GRCh38, 1-based): chr9:123,370,639, C>T. VCF-style: chr9-123370639-C-T. GRCh37 (hg19) VCF-style: chr9-126132918-C-T.
Other names: c.1586C>T (NM_173689.6); short protein forms A529V.
Identifiers: ClinVar variation 2185884 (VCV002185884.8), dbSNP rs200129731, ClinGen allele CA5231996.

ClinVar aggregate classification (germline): Conflicting classifications of pathogenicity. Review status: criteria provided, conflicting classifications (1 of 4 stars). 4 submissions from 4 submitters: Uncertain significance (1); Benign (1); Likely benign (1). 1 of the submissions does not count toward it. Last evaluated 2026-03-04.

Conditions:
CRB2-related disorder. Also called: CRB2-related condition; CRB2-related disorders.

Allele frequency attached by ClinVar (database versions not stated): TOPMed 0.00003; ESP Exome Variant Server 0.00008; gnomAD exomes 0.00029; 1000 Genomes Project 30x 0.00047; gnomAD 0.00055; 1000 Genomes Project 0.00060; ExAC 0.00064.

Submissions (4):

GeneDx
Classification: Uncertain significance. Last evaluated: 2026-03-04. Review status: criteria provided, single submitter. Criteria: GeneDx Variant Classification Process June 2021. Collection method: clinical testing. Allele origin: germline.
Comment: In silico analysis suggests that this missense variant does not alter protein structure/function; Has not been previously published as pathogenic or benign to our knowledge

Blueprint Genetics
Classification: Likely benign. Last evaluated: 2024-10-18. Review status: criteria provided, single submitter. Criteria: ACMG Guidelines, 2015. Collection method: clinical testing. Allele origin: germline.

Labcorp Genetics (formerly Invitae), Labcorp
Classification: Benign. Last evaluated: 2024-01-19. Review status: criteria provided, single submitter. Criteria: Invitae Variant Classification Sherloc (09022015). Collection method: clinical testing. Allele origin: germline.

PreventionGenetics, part of Exact Sciences
Classification: Likely benign for CRB2-related condition. Last evaluated: 2023-06-13. Review status: no assertion criteria provided. Collection method: clinical testing. Allele origin: germline. Not counted in ClinVar's aggregate classification.
Comment: This variant is classified as likely benign based on ACMG/AMP sequence variant interpretation guidelines (Richards et al. 2015 PMID: 25741868, with internal and published modifications).